The following is an entry in ClinVar:

ClinVar aggregate classification (germline): Likely benign. Review status: criteria provided, multiple submitters, no conflicts (2 of 4 stars). 4 submissions from 4 submitters: Likely benign (4). Last evaluated 2026-06-30.

Conditions:
RYR1-related disorder. Also called: RYR1-related condition; RYR1-related disorders. Identifiers: MedGen CN239331.
Malignant hyperthermia, susceptibility to, 1 (MHS1). Also called: Anesthesia related hyperthermia; Malignant hyperpyrexia; Fulminating hyperpyrexia; Pharmacogenic myopathy; Malignant hyperthermia suceptibility 1; RYR1-Related Malignant Hyperthermia Susceptibility. Identifiers: Orphanet 423, MedGen C2930980, MONDO:0007783, OMIM 145600.

Allele frequency attached by ClinVar (database versions not stated): TOPMed 0.00002; gnomAD 0.00004; ESP Exome Variant Server 0.00008; gnomAD exomes 0.00009; ExAC 0.00013; 1000 Genomes Project 30x 0.00016; 1000 Genomes Project 0.00020.
gnomAD v4.1: 122 of 1,612,986 alleles (0.0076%); highest among the groups gnomAD compares: Middle Eastern, 0.033%; no homozygotes.

Submissions (4):

PreventionGenetics, part of Exact Sciences
Classification: Likely benign for RYR1-related condition. Last evaluated: 2026-06-30. Review status: criteria provided, single submitter. Criteria: ACMG Guidelines, 2015. Collection method: clinical testing. Allele origin: germline.
Comment: This variant is classified as likely benign based on ACMG/AMP sequence variant interpretation guidelines (Richards et al. 2015 PMID: 25741868, with internal and published modifications).

Labcorp Genetics (formerly Invitae), Labcorp
Classification: Likely benign for RYR1-related disorder. Last evaluated: 2025-06-23. Review status: criteria provided, single submitter. Criteria: Invitae Variant Classification Sherloc (09022015). Collection method: clinical testing. Allele origin: germline.

All of Us Research Program, National Institutes of Health
Classification: Likely benign for Malignant hyperthermia, susceptibility to, 1. Last evaluated: 2024-02-05. Review status: criteria provided, single submitter. Criteria: ACMG Guidelines, 2015. Collection method: clinical testing. Allele origin: germline. Inheritance: Autosomal dominant inheritance. Observed: 12 variant alleles, 12 heterozygotes.
Comment: This study involves interpretation of variants in research participants for the purpose of population health screening. Participant phenotype was not available at the time of variant classification. Additional details can be found in publication PMID: 35346344, PMCID: PMC8962531

Color Diagnostics, LLC DBA Color Health
Classification: Likely benign for Malignant hyperthermia, susceptibility to, 1. Last evaluated: 2022-11-06. Review status: criteria provided, single submitter. Criteria: ACMG Guidelines, 2015. Collection method: clinical testing. Allele origin: germline.

NM_000540.3(RYR1):c.177C>T (p.Pro59=)

Gene: RYR1 (ryanodine receptor 1; plus strand). Cytogenetic location: 19q13.2.
Variant type: single nucleotide variant.
Coding change: c.177C>T on transcript NM_000540.3 (MANE Select); coding-DNA position 177, C replaced by T.
Protein change: p.Pro59=; no amino-acid change (proline 59 retained).
Molecular consequence: synonymous variant.
Genome position (GRCh38, 1-based): chr19:38,442,360, C>T. VCF-style: chr19-38442360-C-T. GRCh37 (hg19) VCF-style: chr19-38933000-C-T.
Other names: c.177C>T, p.Pro59= (NM_001042723.2).
Identifiers: ClinVar variation 544483 (VCV000544483.15), dbSNP rs201938317, ClinGen allele CA062383.